The following is an entry in ClinVar:

ClinVar aggregate classification (germline): Pathogenic/Likely pathogenic. Review status: criteria provided, multiple submitters, no conflicts (2 of 4 stars). 13 submissions from 12 submitters: Pathogenic (9); Likely pathogenic (2). 2 of the submissions do not count toward it. Last evaluated 2025-12-30.

Conditions:
USH2A-related disorder. Also called: USH2A-related disorders; USH2A-related condition. Identifiers: MedGen CN239332.
Retinal dystrophy. Also called: Inherited retinal dystrophy. Identifiers: Orphanet 71862, MedGen C0854723, MeSH D058499, MONDO:0019118, HP:0000556.
Retinitis pigmentosa 39 (RP39). Identifiers: Orphanet 791, MedGen C3151138, MONDO:0013436, OMIM 613809.
Usher syndrome type 2A. Also called: RETINAL DISEASE IN USHER SYNDROME TYPE IIA, MODIFIER OF; USHER SYNDROME, TYPE IIA. Identifiers: Orphanet 231178, Orphanet 886, MedGen C1848634, MONDO:0010169, OMIM 276901.

Allele frequency attached by ClinVar (database versions not stated): ExAC 0.00001; gnomAD 0.00001; gnomAD exomes 0.00001; TOPMed 0.00001.
gnomAD v4.1: 5 of 1,613,258 alleles (0.00031%); highest among the groups gnomAD compares: Non-Finnish European, 0.00042%; no homozygotes.

Submissions (13):

Labcorp Genetics (formerly Invitae), Labcorp
Classification: Pathogenic. Last evaluated: 2025-12-30. Review status: criteria provided, single submitter. Criteria: Invitae Variant Classification Sherloc (09022015). Collection method: clinical testing. Allele origin: germline.
Comment: This sequence change affects a donor splice site in intron 46 of the USH2A gene. It is expected to disrupt RNA splicing. Variants that disrupt the donor or acceptor splice site typically lead to a loss of protein function (PMID: 16199547), and loss-of-function variants in USH2A are known to be pathogenic (PMID: 10729113, 10909849, 20507924, 25649381). This variant is present in population databases (rs748810737, gnomAD 0.003%). Disruption of this splice site has been observed in individuals with clinical features of USH2A-related conditions (PMID: 27460420, 28944237, 30902645, 31047384). ClinVar contains an entry for this variant (Variation ID: 265980). Algorithms developed to predict the effect of sequence changes on RNA splicing suggest that this variant may disrupt the consensus splice site. For these reasons, this variant has been classified as Pathogenic.

Natera, Inc.
Classification: Pathogenic for Usher syndrome type 2A. Last evaluated: 2025-11-27. Review status: criteria provided, single submitter. Criteria: Natera Variant Classification Schema (03/2026). Collection method: clinical testing. Allele origin: germline.
Comment: The c.9258+1G>A variant in USH2A is a canonical splice donor site variant predicted to affect pre-mRNA splicing, which may result in an abnormal transcript and altered protein product. This variant is expected to result in nonsense mediated decay, truncation, or a dysfunctional protein product. This variant is rare in the general population with a frequency below the threshold expected for the associated phenotype(s). This variant has been observed in one or more individuals affected with the associated recessive disease, as either homozygous or compound heterozygous with a second variant (PMID: 28944237). Another variant at this same site results in an alteration predicted to cause a similar molecular effect has been observed in individual(s) with the associated phenotype. Given the available evidence, this variant is classified as Pathogenic.

Baylor Genetics
Classification: Pathogenic for Retinitis pigmentosa 39. Last evaluated: 2023-10-18. Review status: criteria provided, single submitter. Criteria: ACMG Guidelines, 2015. Collection method: clinical testing. Allele origin: unknown.

Blueprint Genetics
Classification: Pathogenic for USH2A-related disorders. Last evaluated: 2023-06-06. Review status: criteria provided, single submitter. Criteria: ACMG Guidelines, 2015. Collection method: clinical testing. Allele origin: germline. Affected: yes. Observed: 5 variant alleles.

GeneDx
Classification: Pathogenic. Last evaluated: 2023-05-10. Review status: criteria provided, single submitter. Criteria: GeneDx Variant Classification Process June 2021. Collection method: clinical testing. Allele origin: germline. Affected: yes.
Comment: Canonical splice site variant predicted to result in a null allele in a gene for which loss of function is a known mechanism of disease; Not observed at significant frequency in large population cohorts (gnomAD); This variant is associated with the following publications: (PMID: 28944237, 31047384, 32531858, 34948090, 27460420, 34203967)

Genome-Nilou Lab
Classification: Likely pathogenic for Retinitis pigmentosa 39. Last evaluated: 2023-04-11. Review status: criteria provided, single submitter. Criteria: ACMG Guidelines, 2015. Collection method: clinical testing. Allele origin: germline. Affected: no.

Genome-Nilou Lab
Classification: Likely pathogenic for Usher syndrome type 2A. Last evaluated: 2023-04-11. Review status: criteria provided, single submitter. Criteria: ACMG Guidelines, 2015. Collection method: clinical testing. Allele origin: germline. Affected: no.

Centre of Medical Genetics, University Hospital Muenster
Classification: Pathogenic for Retinitis pigmentosa 39. Last evaluated: 2022-02-17. Review status: criteria provided, single submitter. Criteria: ACMG Guidelines, 2015. Collection method: clinical testing. Allele origin: germline. Affected: yes. Observed: 1 variant allele, 1 heterozygote.
Comment: ACMG categories: PVS1,PM2,PP3,PP5

Fulgent Genetics
Classification: Pathogenic for Usher syndrome type 2A; Retinitis pigmentosa 39. Last evaluated: 2021-08-18. Review status: criteria provided, single submitter. Criteria: ACMG Guidelines, 2015. Collection method: clinical testing. Allele origin: unknown.

Institute of Human Genetics, Univ. Regensburg, Univ. Regensburg
Classification: Pathogenic for Retinal dystrophy. Last evaluated: 2021-01-01. Review status: criteria provided, single submitter. Criteria: ACMG Guidelines, 2015. Collection method: clinical testing. Allele origin: germline. Affected: yes.

CeGaT Center for Human Genetics Tuebingen
Classification: Pathogenic. Last evaluated: 2018-07-01. Review status: criteria provided, single submitter. Criteria: CeGaT Center For Human Genetics Tuebingen Variant Classification Criteria Version 2. Collection method: clinical testing. Allele origin: germline. Affected: yes. Observed: 2 variant alleles.

Counsyl
Classification: Pathogenic for Usher syndrome type 2A; Retinitis pigmentosa 39. Last evaluated: 2018-02-13. Review status: no assertion criteria provided. Collection method: clinical testing. Allele origin: unknown. Not counted in ClinVar's aggregate classification.

Bioscientia Institut fuer Medizinische Diagnostik GmbH, Sonic Healthcare
Classification: Likely pathogenic for Usher syndrome type 2A. Review status: no assertion criteria provided. Collection method: clinical testing. Allele origin: germline. Affected: yes. Not counted in ClinVar's aggregate classification.

Literature cited by the submitters: PubMed 16199547 (cited by Labcorp Genetics (formerly Invitae), Labcorp); PubMed 10729113 (cited by Labcorp Genetics (formerly Invitae), Labcorp); PubMed 10909849 (cited by Labcorp Genetics (formerly Invitae), Labcorp); PubMed 20507924 (cited by Labcorp Genetics (formerly Invitae), Labcorp); PubMed 25649381 (cited by Labcorp Genetics (formerly Invitae), Labcorp); PubMed 27460420 (cited by Labcorp Genetics (formerly Invitae), Labcorp and Counsyl); PubMed 28944237 (cited by 4 submitters); PubMed 30902645 (cited by Labcorp Genetics (formerly Invitae), Labcorp); PubMed 31047384 (cited by Labcorp Genetics (formerly Invitae), Labcorp and Institute of Human Genetics, Univ. Regensburg, Univ. Regensburg); PubMed 31964843 (cited by Institute of Human Genetics, Univ. Regensburg, Univ. Regensburg); PubMed 32531858 (cited by Institute of Human Genetics, Univ. Regensburg, Univ. Regensburg); PubMed 34948090 (cited by Institute of Human Genetics, Univ. Regensburg, Univ. Regensburg).

NM_206933.4(USH2A):c.9258+1G>A

Gene: USH2A (usherin; minus strand). Cytogenetic location: 1q41.
Variant type: single nucleotide variant.
Coding change: c.9258+1G>A on transcript NM_206933.4 (MANE Select); the canonical splice donor site of the intron after coding-DNA position 9258, G replaced by A.
Molecular consequence: splice donor variant.
Genome position (GRCh38, 1-based): chr1:215,844,293, C>T on the plus strand (G>A on the coding strand, the complement: USH2A is on the minus strand). VCF-style: chr1-215844293-C-T. GRCh37 (hg19) VCF-style: chr1-216017635-C-T.
Identifiers: ClinVar variation 265980 (VCV000265980.61), dbSNP rs748810737, ClinGen allele CA1394380.